The following is an entry in ClinVar:

NM_004738.5(VAPB):c.574-3T>C

Gene: VAPB (VAMP associated protein B and C; plus strand). Cytogenetic location: 20q13.32.
Variant type: single nucleotide variant.
Coding change: c.574-3T>C on transcript NM_004738.5 (MANE Select); 3 bases into the intron before coding-DNA position 574, T replaced by C.
Molecular consequence: intron variant.
Genome position (GRCh38, 1-based): chr20:58,444,074, T>C. VCF-style: chr20-58444074-T-C. GRCh37 (hg19) VCF-style: chr20-57019130-T-C.
Other names: c.212-3T>C (NM_001195677.2).
Identifiers: ClinVar variation 3764077 (VCV003764077.2).
Genomic context (GRCh38, chr20:58,444,074, plus strand): 5'-GTACAGTTGACTCCCCTTTCTGGTGCCTTGGCTTGTCTTTGAAATGTGCGTTTGCTCCCG[T>C]AGGAAGAAGATGGACTGCGGATGAGGAAGACAGTGCAGAGCAACAGCCCCATTTCAGCAT-3'

ClinVar aggregate classification (germline): Uncertain significance (1 of 4 stars; one submission).

Conditions:
Adult-onset proximal spinal muscular atrophy, autosomal dominant. Also called: FINKEL LATE-ADULT TYPE SMA; Spinal muscular atrophy, late-onset, finkel type. Identifiers: Orphanet 209335, MedGen C1854058, MONDO:0008453, OMIM 182980.
Amyotrophic lateral sclerosis type 8 (ALS8). Identifiers: Orphanet 803, MedGen C1837728, MONDO:0012077, OMIM 608627.

gnomAD v4.1: 5 of 1,614,152 alleles (0.00031%); highest among the groups gnomAD compares: South Asian, 0.0055%; no homozygotes.

Submission:

Labcorp Genetics (formerly Invitae), Labcorp
Classification: Uncertain significance for Adult-onset proximal spinal muscular atrophy, autosomal dominant; Amyotrophic lateral sclerosis type 8. Last evaluated: 2024-11-24. Review status: criteria provided, single submitter. Criteria: Invitae Variant Classification Sherloc (09022015). Collection method: clinical testing. Allele origin: germline.
Comment: This sequence change falls in intron 5 of the VAPB gene. It does not directly change the encoded amino acid sequence of the VAPB protein. It affects a nucleotide within the consensus splice site. This variant is not present in population databases (gnomAD no frequency). This variant has not been reported in the literature in individuals affected with VAPB-related conditions. Variants that disrupt the consensus splice site are a relatively common cause of aberrant splicing (PMID: 17576681, 9536098). Algorithms developed to predict the effect of sequence changes on RNA splicing suggest that this variant is not likely to affect RNA splicing. In summary, the available evidence is currently insufficient to determine the role of this variant in disease. Therefore, it has been classified as a Variant of Uncertain Significance.

Literature cited by the submitters: PubMed 17576681; PubMed 9536098.